The following is an entry in ClinVar:

NM_001040142.2(SCN2A):c.3638T>G (p.Phe1213Cys)

Gene: SCN2A (sodium voltage-gated channel alpha subunit 2; plus strand). Cytogenetic location: 2q24.3.
Variant type: single nucleotide variant.
Coding change: c.3638T>G on transcript NM_001040142.2 (MANE Select); coding-DNA position 3638, T replaced by G.
Protein change: p.Phe1213Cys; replaces phenylalanine 1213 with cysteine.
Molecular consequence: missense variant.
Genome position (GRCh38, 1-based): chr2:165,367,334, T>G. VCF-style: chr2-165367334-T-G. GRCh37 (hg19) VCF-style: chr2-166223844-T-G.
Other names: c.3638T>G, p.Phe1213Cys (NM_001040143.2, NM_001371246.1, NM_001371247.1 and 1 more transcripts); short protein forms F1213C.
Identifiers: ClinVar variation 1440047 (VCV001440047.6), dbSNP rs1700783513, ClinGen allele CA349026299.
Genomic context (GRCh38, chr2:165,367,334, plus strand): 5'-TCTGGTGGAATTTGAGGAAAACATGCTATAAGATAGTGGAGCACAATTGGTTCGAAACCT[T>G]CATTGTCTTCATGATTCTGCTGAGCAGTGGGGCTCTGGTAGGTGATGCATGATCCACTCC-3'
Protein context (NP_001035232.1, residues 1203-1223): KIVEHNWFET[Phe1213Cys]IVFMILLSSG

ClinVar aggregate classification (germline): Uncertain significance (1 of 4 stars; one submission).

Conditions:
Developmental and epileptic encephalopathy, 11 (DEE11). Also called: Early infantile epileptic encephalopathy 11. Identifiers: Orphanet 1934, MedGen C3150987, MONDO:0013388, OMIM 613721.
Seizures, benign familial infantile, 3 (BFIS3). Also called: CONVULSIONS, BENIGN FAMILIAL INFANTILE, 3; Familial neonatal seizures. Identifiers: Orphanet 140927, Orphanet 306, MedGen C1843140, MONDO:0011904, OMIM 607745.

Allele frequency attached by ClinVar (database versions not stated): gnomAD exomes below 0.00001; gnomAD 0.00001.
gnomAD v4.1: 2 of 1,614,048 alleles (0.00012%); highest among the groups gnomAD compares: Non-Finnish European, 0.00017%; no homozygotes.

Submission:

Labcorp Genetics (formerly Invitae), Labcorp
Classification: Uncertain significance for Seizures, benign familial infantile, 3; Developmental and epileptic encephalopathy, 11. Last evaluated: 2022-06-27. Review status: criteria provided, single submitter. Criteria: Invitae Variant Classification Sherloc (09022015). Collection method: clinical testing. Allele origin: germline.
Comment: In summary, the available evidence is currently insufficient to determine the role of this variant in disease. Therefore, it has been classified as a Variant of Uncertain Significance. Algorithms developed to predict the effect of missense changes on protein structure and function are either unavailable or do not agree on the potential impact of this missense change (SIFT: "Deleterious"; PolyPhen-2: "Benign"; Align-GVGD: "Class C0"). This variant has not been reported in the literature in individuals affected with SCN2A-related conditions. This variant is not present in population databases (gnomAD no frequency). This sequence change replaces phenylalanine, which is neutral and non-polar, with cysteine, which is neutral and slightly polar, at codon 1213 of the SCN2A protein (p.Phe1213Cys).